The following is an entry in ClinVar:

ClinVar aggregate classification (germline): Likely benign. Review status: criteria provided, multiple submitters, no conflicts (2 of 4 stars). 2 submissions from 2 submitters: Likely benign (2). Last evaluated 2024-04-22.

Conditions:
Hereditary spastic paraplegia 7 (SPG7). Also called: Spastic paraplegia 7; Hereditary spastic paraplegia Paraplegin type; SPASTIC PARAPLEGIA 7, AUTOSOMAL RECESSIVE, WITH OR WITHOUT CEREBELLAR ATAXIA; Autosomal recessive spastic paraplegia type 7; SPG7-related neurologic disorder. Identifiers: Orphanet 99013, MedGen C1846564, MONDO:0011803, OMIM 607259.

Allele frequency attached by ClinVar (database versions not stated): gnomAD exomes 0.00002 and 0.00008; ExAC 0.00010; 1000 Genomes Project 0.00020; gnomAD 0.00029 and 0.00031; 1000 Genomes Project 30x 0.00031; ESP Exome Variant Server 0.00031; TOPMed 0.00040.
gnomAD v4.1: 78 of 1,613,384 alleles (0.0048%); highest among the groups gnomAD compares: African/African-American, 0.096%; no homozygotes.

Submissions (2):

Labcorp Genetics (formerly Invitae), Labcorp
Classification: Likely benign for Hereditary spastic paraplegia 7. Last evaluated: 2024-04-22. Review status: criteria provided, single submitter. Criteria: Invitae Variant Classification Sherloc (09022015). Collection method: clinical testing. Allele origin: germline.

GeneDx
Classification: Likely benign. Last evaluated: 2018-04-23. Review status: criteria provided, single submitter. Criteria: GeneDx Variant Classification (06012015). Collection method: clinical testing. Allele origin: germline. Affected: yes.
Comment: This variant is considered likely benign or benign based on one or more of the following criteria: it is a conservative change, it occurs at a poorly conserved position in the protein, it is predicted to be benign by multiple in silico algorithms, and/or has population frequency not consistent with disease.

NM_003119.4(SPG7):c.318G>A (p.Leu106=)

Gene: SPG7 (SPG7 matrix AAA peptidase subunit, paraplegin; plus strand). Cytogenetic location: 16q24.3.
Variant type: single nucleotide variant.
Coding change: c.318G>A on transcript NM_003119.4 (MANE Select); coding-DNA position 318, G replaced by A.
Protein change: p.Leu106=; no amino-acid change (leucine 106 retained).
Molecular consequence: synonymous variant.
Genome position (GRCh38, 1-based): chr16:89,512,979, G>A. VCF-style: chr16-89512979-G-A. GRCh37 (hg19) VCF-style: chr16-89579387-G-A.
Other names: c.318G>A, p.Leu106= (NM_001363850.1, NM_199367.3).
Identifiers: ClinVar variation 682116 (VCV000682116.7), dbSNP rs115601365, ClinGen allele CA8243518.